The following is an entry in ClinVar:

NM_001257096.2(PAX1):c.*204G>T

Gene: PAX1 (paired box 1; plus strand). Cytogenetic location: 20p11.22.
Variant type: single nucleotide variant.
Coding change: c.*204G>T on transcript NM_001257096.2 (MANE Select); 204 bases downstream of the stop codon, G replaced by T.
Molecular consequence: 3 prime UTR variant. On other transcripts: missense variant (1).
Genome position (GRCh38, 1-based): chr20:21,714,766, G>T. VCF-style: chr20-21714766-G-T. GRCh37 (hg19) VCF-style: chr20-21695404-G-T.
Other names: c.1568G>T, p.Trp523Leu (NM_006192.5); short protein forms W523L.
Identifiers: ClinVar variation 1721381 (VCV001721381.3), dbSNP rs748872583, ClinGen allele CA408500373.

ClinVar aggregate classification (germline): Uncertain significance (1 of 4 stars; one submission).

Submission:

Labcorp Genetics (formerly Invitae), Labcorp
Classification: Uncertain significance. Last evaluated: 2022-09-07. Review status: criteria provided, single submitter. Criteria: Invitae Variant Classification Sherloc (09022015). Collection method: clinical testing. Allele origin: germline.
Comment: This sequence change replaces tryptophan, which is neutral and slightly polar, with leucine, which is neutral and non-polar, at codon 523 of the PAX1 protein (p.Trp523Leu). This variant is not present in population databases (gnomAD no frequency). This variant has not been reported in the literature in individuals affected with PAX1-related conditions. Algorithms developed to predict the effect of missense changes on protein structure and function (SIFT, PolyPhen-2, Align-GVGD) all suggest that this variant is likely to be tolerated. In summary, the available evidence is currently insufficient to determine the role of this variant in disease. Therefore, it has been classified as a Variant of Uncertain Significance.